The following is an entry in ClinVar:

ClinVar aggregate classification (germline): Likely benign. Review status: criteria provided, multiple submitters, no conflicts (2 of 4 stars). 3 submissions from 3 submitters: Likely benign (2). 1 of the submissions does not count toward it. Last evaluated 2025-10-13.

Conditions:
MED13L-related disorder. Also called: MED13L-related condition.
Dextro-looped transposition of the great arteries. Also called: Dextrotransposition of the great arteries. Identifiers: Orphanet 860, MedGen C3531771, MONDO:0019443, OMIM 608808, HP:0031348.

Allele frequency attached by ClinVar (database versions not stated): ExAC 0.00013; gnomAD exomes 0.00013 and 0.00009; gnomAD 0.00011; TOPMed 0.00015.
gnomAD v4.1: 153 of 1,613,838 alleles (0.0095%); highest among the groups gnomAD compares: East Asian, 0.013%; no homozygotes.

Submissions (3):

Labcorp Genetics (formerly Invitae), Labcorp
Classification: Likely benign for Dextro-looped transposition of the great arteries. Last evaluated: 2025-10-13. Review status: criteria provided, single submitter. Criteria: Invitae Variant Classification Sherloc (09022015). Collection method: clinical testing. Allele origin: germline.

GeneDx
Classification: Likely benign. Last evaluated: 2020-12-23. Review status: criteria provided, single submitter. Criteria: GeneDx Variant Classification Process June 2021. Collection method: clinical testing. Allele origin: germline. Affected: yes.

PreventionGenetics, part of Exact Sciences
Classification: Likely benign for MED13L-related condition. Last evaluated: 2023-07-24. Review status: no assertion criteria provided. Collection method: clinical testing. Allele origin: germline. Not counted in ClinVar's aggregate classification.
Comment: This variant is classified as likely benign based on ACMG/AMP sequence variant interpretation guidelines (Richards et al. 2015 PMID: 25741868, with internal and published modifications).

NM_015335.5(MED13L):c.2292G>A (p.Pro764=)

Gene: MED13L (mediator complex subunit 13L; minus strand). Cytogenetic location: 12q24.21.
Variant type: single nucleotide variant.
Coding change: c.2292G>A on transcript NM_015335.5 (MANE Select); coding-DNA position 2292, G replaced by A.
Protein change: p.Pro764=; no amino-acid change (proline 764 retained).
Molecular consequence: synonymous variant.
Genome position (GRCh38, 1-based): chr12:116,006,358, C>T on the plus strand (G>A on the coding strand, the complement: MED13L is on the minus strand). VCF-style: chr12-116006358-C-T. GRCh37 (hg19) VCF-style: chr12-116444163-C-T.
Identifiers: ClinVar variation 1110124 (VCV001110124.14), dbSNP rs754150111, ClinGen allele CA6811199.